The following is an entry in ClinVar:

NM_024675.4(PALB2):c.728C>T (p.Thr243Ile)

Gene: PALB2 (partner and localizer of BRCA2; minus strand). Cytogenetic location: 16p12.2.
Variant type: single nucleotide variant.
Coding change: c.728C>T on transcript NM_024675.4 (MANE Select); coding-DNA position 728, C replaced by T.
Protein change: p.Thr243Ile; replaces threonine 243 with isoleucine.
Molecular consequence: missense variant.
Genome position (GRCh38, 1-based): chr16:23,635,818, G>A on the plus strand (C>T on the coding strand, the complement: PALB2 is on the minus strand). VCF-style: chr16-23635818-G-A. GRCh37 (hg19) VCF-style: chr16-23647139-G-A.
Other names: short protein forms T243I.
Identifiers: ClinVar variation 848078 (VCV000848078.11), dbSNP rs1967025917, ClinGen allele CA395136268.

ClinVar aggregate classification (germline): Uncertain significance. Review status: criteria provided, multiple submitters, no conflicts (2 of 4 stars). 2 submissions from 2 submitters: Uncertain significance (2). Last evaluated 2025-02-16.

Conditions:
Familial cancer of breast. Also called: hereditary breast carcinoma; Hereditary breast cancer; BREAST CANCER, FAMILIAL. Identifiers: Orphanet 227535, MedGen C0346153, MONDO:0016419, OMIM 114480. Disease mechanism: loss of function.
Hereditary cancer-predisposing syndrome. Also called: Tumor predisposition; Hereditary neoplastic syndrome; Neoplastic Syndromes, Hereditary; Hereditary Cancer Syndrome. Identifiers: Orphanet 140162, MedGen C0027672, MeSH D009386, MONDO:0015356.

Submissions (2):

Ambry Genetics
Classification: Uncertain significance for Hereditary cancer-predisposing syndrome. Last evaluated: 2025-02-16. Review status: criteria provided, single submitter. Criteria: Ambry Variant Classification Scheme 2023. Collection method: clinical testing. Allele origin: germline.
Comment: The p.T243I variant (also known as c.728C>T), located in coding exon 4 of the PALB2 gene, results from a C to T substitution at nucleotide position 728. The threonine at codon 243 is replaced by isoleucine, an amino acid with similar properties. This amino acid position is conserved. In addition, this alteration is predicted to be tolerated by in silico analysis. Based on the available evidence, the clinical significance of this variant remains unclear.

Labcorp Genetics (formerly Invitae), Labcorp
Classification: Uncertain significance for Familial cancer of breast. Last evaluated: 2022-08-23. Review status: criteria provided, single submitter. Criteria: Invitae Variant Classification Sherloc (09022015). Collection method: clinical testing. Allele origin: germline.
Comment: This sequence change replaces threonine, which is neutral and polar, with isoleucine, which is neutral and non-polar, at codon 243 of the PALB2 protein (p.Thr243Ile). Algorithms developed to predict the effect of missense changes on protein structure and function (SIFT, PolyPhen-2, Align-GVGD) all suggest that this variant is likely to be tolerated. ClinVar contains an entry for this variant (Variation ID: 848078). This variant has not been reported in the literature in individuals affected with PALB2-related conditions. This variant is not present in population databases (gnomAD no frequency). In summary, the available evidence is currently insufficient to determine the role of this variant in disease. Therefore, it has been classified as a Variant of Uncertain Significance.